The following is an entry in ClinVar:

NM_000540.3(RYR1):c.13924C>G (p.Pro4642Ala)

Gene: RYR1 (ryanodine receptor 1; plus strand). Cytogenetic location: 19q13.2.
Variant type: single nucleotide variant.
Coding change: c.13924C>G on transcript NM_000540.3 (MANE Select); coding-DNA position 13924, C replaced by G.
Protein change: p.Pro4642Ala; replaces proline 4642 with alanine.
Molecular consequence: missense variant.
Genome position (GRCh38, 1-based): chr19:38,572,196, C>G. VCF-style: chr19-38572196-C-G. GRCh37 (hg19) VCF-style: chr19-39062836-C-G.
Other names: c.13909C>G, p.Pro4637Ala (NM_001042723.2); c.13924C>G (NM_000540.2); short protein forms P4642A, P4637A.
Identifiers: ClinVar variation 501956 (VCV000501956.12), dbSNP rs780958728, ClinGen allele CA060649.

ClinVar aggregate classification (germline): Uncertain significance. Review status: criteria provided, multiple submitters, no conflicts (2 of 4 stars). 3 submissions from 3 submitters: Uncertain significance (3). Last evaluated 2026-07-07.

Conditions:
RYR1-related disorder. Also called: RYR1-related condition; RYR1-related disorders. Identifiers: MedGen CN239331.
Inborn genetic diseases. Identifiers: MedGen C0950123, MeSH D030342.

Allele frequency attached by ClinVar (database versions not stated): TOPMed below 0.00001; ExAC 0.00001.
gnomAD v4.1: 2 of 1,614,004 alleles (0.00012%); highest among the groups gnomAD compares: Admixed American, 0.0033%; no homozygotes.

Submissions (3):

Ambry Genetics
Classification: Uncertain significance for Inborn genetic diseases. Last evaluated: 2026-07-07. Review status: criteria provided, single submitter. Criteria: Ambry Variant Classification Scheme 2023. Collection method: clinical testing. Allele origin: germline.
Comment: The p.P4642A variant (also known as c.13924C>G), located in coding exon 95 of the RYR1 gene, results from a C to G substitution at nucleotide position 13924. The proline at codon 4642 is replaced by alanine, an amino acid with highly similar properties. This amino acid position is conserved. In addition, this alteration is predicted to be deleterious by in silico analysis. Based on the available evidence, the clinical significance of this variant remains unclear.

Labcorp Genetics (formerly Invitae), Labcorp
Classification: Uncertain significance for RYR1-related disorder. Last evaluated: 2025-04-14. Review status: criteria provided, single submitter. Criteria: Invitae Variant Classification Sherloc (09022015). Collection method: clinical testing. Allele origin: germline.
Comment: This sequence change replaces proline, which is neutral and non-polar, with alanine, which is neutral and non-polar, at codon 4642 of the RYR1 protein (p.Pro4642Ala). This variant is present in population databases (rs780958728, gnomAD 0.006%). This variant has not been reported in the literature in individuals affected with RYR1-related conditions. ClinVar contains an entry for this variant (Variation ID: 501956). Invitae Evidence Modeling of protein sequence and biophysical properties (such as structural, functional, and spatial information, amino acid conservation, physicochemical variation, residue mobility, and thermodynamic stability) indicates that this missense variant is not expected to disrupt RYR1 protein function with a negative predictive value of 80%. In summary, the available evidence is currently insufficient to determine the role of this variant in disease. Therefore, it has been classified as a Variant of Uncertain Significance.

Eurofins Ntd Llc (ga)
Classification: Uncertain significance. Last evaluated: 2017-05-09. Review status: criteria provided, single submitter. Criteria: EGL Classification Definitions 2015. Collection method: clinical testing. Allele origin: germline. Observed: 1 variant allele, 1 heterozygote.